The following is an entry in ClinVar:

NM_000352.6(ABCC8):c.126_146dup (p.Thr43_Ile49dup)

Gene: ABCC8 (ATP binding cassette subfamily C member 8; minus strand). Cytogenetic location: 11p15.1.
Variant type: Duplication.
Coding change: c.126_146dup on transcript NM_000352.6 (MANE Select); coding-DNA positions 126 to 146, 21 bases duplicated (CACCTTCCCCATCCTCTTCAT).
Protein change: p.Thr43_Ile49dup.
Molecular consequence: inframe insertion. On other transcripts: non-coding transcript variant (1).
Genome position (GRCh38, 1-based): chr11:17,476,631-17,476,651, ATGAAGAGGATGGGGAAGGTG duplicated on the plus strand (CACCTTCCCCATCCTCTTCAT on the coding strand, the reverse complement: ABCC8 is on the minus strand); duplicating any 21 consecutive bases within chr11:17,476,631-17,476,659 gives the same sequence; the c. name uses the placement nearest the transcript's 3' end. VCF-style (leftmost placement, unchanged base first): chr11-17476630-A-AATGAAGAGGATGGGGAAGGTG. GRCh37 (hg19) VCF-style: chr11-17498177-A-AATGAAGAGGATGGGGAAGGTG.
Other names: c.126_146dup, p.Thr43_Ile49dup (NM_001287174.3, NM_001351295.2, NM_001351296.2 and 1 more transcripts).
Identifiers: ClinVar variation 557656 (VCV000557656.4), dbSNP rs1554949190, ClinGen allele CA658821547.

ClinVar aggregate classification (germline): Uncertain significance. Review status: criteria provided, single submitter (1 of 4 stars). 3 submissions from 2 submitters: Uncertain significance (2). 1 of the submissions does not count toward it.

Conditions:
Maturity-onset diabetes of the young (MODY). Also called: Maturity onset diabetes mellitus in young. Identifiers: Orphanet 552, MedGen C0342276, MONDO:0018911, HP:0004904.
Hyperinsulinemic hypoglycemia, familial, 1 (HHF1). Also called: Persistent hyperinsulinemic hypoglycemia of infancy; HYPERINSULINISM, FAMILIAL, WITH PANCREATIC NESIDIOBLASTOSIS; HYPOGLYCEMIA, HYPERINSULINEMIC, OF INFANCY; NESIDIOBLASTOSIS OF PANCREAS; Persistent Hyperinsulinemia Hypoglycemia of Infancy. Identifiers: Orphanet 276575, Orphanet 276598, MedGen C2931832, MONDO:0009734, OMIM 256450.
Transitory neonatal diabetes mellitus. Also called: Transient neonatal diabetes mellitus. Identifiers: MedGen C0342273, MONDO:0020525, HP:0008255.

Submissions (3):

Clinical Genomics, Uppaluri K&H Personalized Medicine Clinic
Classification: Uncertain significance for Maturity-onset diabetes of the young. Review status: criteria provided, single submitter. Criteria: K & H Uppaluri Personalized Medicine Clinic Variant Classification & Assertion Criteria_Updated V.1. Collection method: research. Allele origin: unknown. Inheritance: Somatic mutation.
Comment: Mutations in ABCC8 gene are associated with both neonatal diabetes mellitus as well as MODY. Patients with this mutation may have a better response to sulfonylureas. However, no sufficient evidence is found to ascertain the role of this particular variant (rs1554949190) in MODY yet.

Clinical Genomics, Uppaluri K&H Personalized Medicine Clinic
Classification: Uncertain significance for Transitory neonatal diabetes mellitus. Review status: criteria provided, single submitter. Criteria: K & H Uppaluri Personalized Medicine Clinic Variant Classification & Assertion Criteria_Updated V.1. Collection method: research. Allele origin: unknown. Inheritance: Somatic mutation.
Comment: Mutations in ABCC8 gene are associated with both neonatal diabetes mellitus as well as MODY. Patients with this mutation may have a better response to sulfonylureas. However, no sufficient evidence is found to ascertain the role of this particular variant (rs1554949190) in neonatal diabetes yet.

Counsyl
Classification: Uncertain significance for Hyperinsulinemic hypoglycemia, familial, 1. Last evaluated: 2018-04-03. Review status: no assertion criteria provided. Collection method: clinical testing. Allele origin: unknown. Not counted in ClinVar's aggregate classification.

Literature cited by the submitters: PubMed 16885549 (cited by Clinical Genomics, Uppaluri K&H Personalized Medicine Clinic); PubMed 21989597 (cited by Clinical Genomics, Uppaluri K&H Personalized Medicine Clinic); PubMed 27538677 (cited by Clinical Genomics, Uppaluri K&H Personalized Medicine Clinic); PubMed 18981553 (cited by Clinical Genomics, Uppaluri K&H Personalized Medicine Clinic); PubMed 32027066 (cited by Clinical Genomics, Uppaluri K&H Personalized Medicine Clinic); PubMed 16613899 (cited by Clinical Genomics, Uppaluri K&H Personalized Medicine Clinic); PubMed 18025408 (cited by Clinical Genomics, Uppaluri K&H Personalized Medicine Clinic); PubMed 32792356 (cited by Clinical Genomics, Uppaluri K&H Personalized Medicine Clinic).